The following is an entry in ClinVar:

ClinVar aggregate classification (germline): Likely benign (1 of 4 stars; one submission).

Conditions:
CACNA1I-related disorder. Also called: CACNA1I-related condition.

gnomAD v4.1: 1,128 of 1,613,246 alleles (0.07%); highest among the groups gnomAD compares: South Asian, 1%; 14 homozygotes.

Submission:

PreventionGenetics, part of Exact Sciences
Classification: Likely benign for CACNA1I-related condition. Last evaluated: 2025-09-04. Review status: criteria provided, single submitter. Criteria: ACMG Guidelines, 2015. Collection method: clinical testing. Allele origin: germline.
Comment: This variant is classified as likely benign based on ACMG/AMP sequence variant interpretation guidelines (Richards et al. 2015 PMID: 25741868, with internal and published modifications).

NM_021096.4(CACNA1I):c.1559C>T (p.Ser520Leu)

Gene: CACNA1I (calcium voltage-gated channel subunit alpha1 I; plus strand). Cytogenetic location: 22q13.1.
Variant type: single nucleotide variant.
Coding change: c.1559C>T on transcript NM_021096.4 (MANE Select); coding-DNA position 1559, C replaced by T.
Protein change: p.Ser520Leu; replaces serine 520 with leucine.
Molecular consequence: missense variant. On other transcripts: intron variant (1).
Genome position (GRCh38, 1-based): chr22:39,647,918, C>T. VCF-style: chr22-39647918-C-T. GRCh37 (hg19) VCF-style: chr22-40043923-C-T.
Other names: c.1462+1037C>T (NM_001003406.2); short protein forms S520L.
Identifiers: ClinVar variation 4980531 (VCV004980531.1).